The following is an entry in ClinVar:

ClinVar aggregate classification (germline): Likely pathogenic (1 of 4 stars; one submission).

Conditions:
SPTAN1-related disorder. Also called: SPTAN1-related condition; SPTAN1-related disorders.

Submission:

PreventionGenetics, part of Exact Sciences
Classification: Likely pathogenic for SPTAN1-related condition. Last evaluated: 2022-08-26. Review status: criteria provided, single submitter. Criteria: ACMG Guidelines, 2015. Collection method: clinical testing. Allele origin: germline.
Comment: The SPTAN1 c.2401C>T variant is predicted to result in premature protein termination (p.Arg801*). To our knowledge, this variant has not been reported in the literature or in a large population database, indicating this variant is rare. Nonsense variants in SPTAN1 are expected to be pathogenic. This variant is interpreted as likely pathogenic.

NM_001130438.3(SPTAN1):c.2401C>T (p.Arg801Ter)

Gene: SPTAN1 (spectrin alpha, non-erythrocytic 1; plus strand). Cytogenetic location: 9q34.11.
Variant type: single nucleotide variant.
Coding change: c.2401C>T on transcript NM_001130438.3 (MANE Select); coding-DNA position 2401, C replaced by T.
Protein change: p.Arg801Ter; replaces arginine 801 with a stop codon.
Molecular consequence: nonsense.
Genome position (GRCh38, 1-based): chr9:128,584,489, C>T. VCF-style: chr9-128584489-C-T. GRCh37 (hg19) VCF-style: chr9-131346768-C-T.
Other names: c.2401C>T, p.Arg801Ter (NM_001195532.2, NM_001363759.2, NM_001363765.2 and 5 more transcripts); c.2437C>T, p.Arg813Ter (NM_001375312.2, NM_001375318.1); short protein forms R801*, R813*.
Identifiers: ClinVar variation 2636249 (VCV002636249.1), dbSNP rs2131164463, ClinGen allele CA375057658.